The following is an entry in ClinVar:

ClinVar aggregate classification (germline): Uncertain significance. Review status: criteria provided, multiple submitters, no conflicts (2 of 4 stars). 2 submissions from 2 submitters: Uncertain significance (2). Last evaluated 2026-01-12.

Conditions:
Dyskeratosis congenita. Identifiers: Orphanet 1775, MedGen C0265965, MONDO:0015780.

Allele frequency attached by ClinVar (database versions not stated): gnomAD 0.00001; TOPMed 0.00001; ExAC 0.00004; gnomAD exomes 0.00004.
gnomAD v4.1: 30 of 1,613,912 alleles (0.0019%); highest among the groups gnomAD compares: South Asian, 0.0099%; 1 homozygote.

Submissions (2):

Labcorp Genetics (formerly Invitae), Labcorp
Classification: Uncertain significance for Dyskeratosis congenita. Last evaluated: 2026-01-12. Review status: criteria provided, single submitter. Criteria: Invitae Variant Classification Sherloc (09022015). Collection method: clinical testing. Allele origin: germline.
Comment: This sequence change replaces valine, which is neutral and non-polar, with isoleucine, which is neutral and non-polar, at codon 386 of the TINF2 protein (p.Val386Ile). This variant is present in population databases (rs749534744, gnomAD 0.03%), including at least one homozygous and/or hemizygous individual. This missense change has been observed in individual(s) with TINF2-related conditions (PMID: 37944684). ClinVar contains an entry for this variant (Variation ID: 652944). An algorithm developed to predict the effect of missense changes on protein structure and function outputs the following: PolyPhen-2: "Benign". The isoleucine amino acid residue is found in multiple mammalian species, which suggests that this missense change does not adversely affect protein function. In summary, the available evidence is currently insufficient to determine the role of this variant in disease. Therefore, it has been classified as a Variant of Uncertain Significance.

Genetic Services Laboratory, University of Chicago
Classification: Uncertain significance. Last evaluated: 2019-12-04. Review status: criteria provided, single submitter. Criteria: ACMG Guidelines, 2015. Collection method: clinical testing. Allele origin: germline. Affected: no.

Literature cited by the submitters: PubMed 37944684 (cited by Labcorp Genetics (formerly Invitae), Labcorp).

NM_001099274.3(TINF2):c.1156G>A (p.Val386Ile)

Gene: TINF2 (TERF1 interacting nuclear factor 2; minus strand). Cytogenetic location: 14q12.
Variant type: single nucleotide variant.
Coding change: c.1156G>A on transcript NM_001099274.3 (MANE Select); coding-DNA position 1156, G replaced by A.
Protein change: p.Val386Ile; replaces valine 386 with isoleucine.
Molecular consequence: missense variant. On other transcripts: 3 prime UTR variant (1).
Genome position (GRCh38, 1-based): chr14:24,240,129, C>T on the plus strand (G>A on the coding strand, the complement: TINF2 is on the minus strand). VCF-style: chr14-24240129-C-T. GRCh37 (hg19) VCF-style: chr14-24709335-C-T.
Other names: c.1051G>A, p.Val351Ile (NM_001363668.2); c.*286G>A (NM_012461.3); short protein forms V351I, V386I.
Identifiers: ClinVar variation 652944 (VCV000652944.10), dbSNP rs749534744, ClinGen allele CA7130469.